The following is an entry in ClinVar:

ClinVar aggregate classification (germline): Uncertain significance (1 of 4 stars; one submission).

Submission:

GeneDx
Classification: Uncertain significance. Last evaluated: 2024-02-29. Review status: criteria provided, single submitter. Criteria: GeneDx Variant Classification Process June 2021. Collection method: clinical testing. Allele origin: germline. Affected: yes.
Comment: Not observed at significant frequency in large population cohorts (gnomAD); In silico analysis supports that this missense variant has a deleterious effect on protein structure/function; Has not been previously published as pathogenic or benign to our knowledge

NM_001970.5(EIF5A):c.333C>A (p.Asp111Glu)

Gene: EIF5A (eukaryotic translation initiation factor 5A; plus strand). Cytogenetic location: 17p13.1.
Variant type: single nucleotide variant.
Coding change: c.333C>A on transcript NM_001970.5 (MANE Select); coding-DNA position 333, C replaced by A.
Protein change: p.Asp111Glu; replaces aspartic acid 111 with glutamic acid.
Molecular consequence: missense variant.
Genome position (GRCh38, 1-based): chr17:7,311,412, C>A. VCF-style: chr17-7311412-C-A. GRCh37 (hg19) VCF-style: chr17-7214731-C-A.
Other names: c.423C>A, p.Asp141Glu (NM_001143760.1); c.333C>A, p.Asp111Glu (NM_001143761.1, NM_001143762.2, NM_001370420.1 and 1 more transcripts); short protein forms D111E, D141E.
Identifiers: ClinVar variation 3373498 (VCV003373498.1).